The following is an entry in ClinVar:

ClinVar aggregate classification (germline): Uncertain significance (1 of 4 stars; one submission).

gnomAD v4.1: 3 of 1,613,176 alleles (0.00019%); highest among the groups gnomAD compares: Non-Finnish European, 0.00017%; no homozygotes.

Submission:

Labcorp Genetics (formerly Invitae), Labcorp
Classification: Uncertain significance. Last evaluated: 2024-10-16. Review status: criteria provided, single submitter. Criteria: Invitae Variant Classification Sherloc (09022015). Collection method: clinical testing. Allele origin: germline.
Comment: This sequence change replaces alanine, which is neutral and non-polar, with glycine, which is neutral and non-polar, at codon 363 of the KIDINS220 protein (p.Ala363Gly). This variant is present in population databases (rs746160773, gnomAD 0.0009%). This variant has not been reported in the literature in individuals affected with KIDINS220-related conditions. An algorithm developed to predict the effect of missense changes on protein structure and function (PolyPhen-2) suggests that this variant is likely to be disruptive. In summary, the available evidence is currently insufficient to determine the role of this variant in disease. Therefore, it has been classified as a Variant of Uncertain Significance.

NM_020738.4(KIDINS220):c.1088C>G (p.Ala363Gly)

Gene: KIDINS220 (kinase D interacting substrate 220; minus strand). Cytogenetic location: 2p25.1.
Variant type: single nucleotide variant.
Coding change: c.1088C>G on transcript NM_020738.4 (MANE Select); coding-DNA position 1088, C replaced by G.
Protein change: p.Ala363Gly; replaces alanine 363 with glycine.
Molecular consequence: missense variant. On other transcripts: non-coding transcript variant (2).
Genome position (GRCh38, 1-based): chr2:8,796,781, G>C on the plus strand (C>G on the coding strand, the complement: KIDINS220 is on the minus strand). VCF-style: chr2-8796781-G-C. GRCh37 (hg19) VCF-style: chr2-8936911-G-C.
Other names: c.1091C>G, p.Ala364Gly (NM_001348729.2, NM_001348731.2, NM_001348734.2 and 3 more transcripts); c.1088C>G, p.Ala363Gly (NM_001348732.2, NM_001348735.2, NM_001348738.2 and 3 more transcripts); c.962C>G, p.Ala321Gly (NM_001348736.2); short protein forms A321G, A363G, A364G.
Identifiers: ClinVar variation 3693972 (VCV003693972.2).